The following is an entry in ClinVar:

ClinVar aggregate classification (germline): Uncertain significance (1 of 4 stars; one submission).

Allele frequency attached by ClinVar (database versions not stated): gnomAD exomes 0.00001; gnomAD 0.00003; TOPMed 0.00003; ExAC 0.00007; 1000 Genomes Project 0.00020; 1000 Genomes Project 30x 0.00031.

Submission:

Labcorp Genetics (formerly Invitae), Labcorp
Classification: Uncertain significance. Last evaluated: 2022-06-15. Review status: criteria provided, single submitter. Criteria: Invitae Variant Classification Sherloc (09022015). Collection method: clinical testing. Allele origin: germline.
Comment: In summary, the available evidence is currently insufficient to determine the role of this variant in disease. Therefore, it has been classified as a Variant of Uncertain Significance. Algorithms developed to predict the effect of missense changes on protein structure and function are either unavailable or do not agree on the potential impact of this missense change (SIFT: "Not Available"; PolyPhen-2: "Possibly Damaging"; Align-GVGD: "Not Available"). This variant has not been reported in the literature in individuals affected with TOP3A-related conditions. This variant is present in population databases (rs117400470, gnomAD 0.08%). This sequence change replaces arginine, which is basic and polar, with glutamine, which is neutral and polar, at codon 135 of the TOP3A protein (p.Arg135Gln).

NM_004618.5(TOP3A):c.404G>A (p.Arg135Gln)

Gene: TOP3A (DNA topoisomerase III alpha; minus strand). Cytogenetic location: 17p11.2.
Variant type: single nucleotide variant.
Coding change: c.404G>A on transcript NM_004618.5 (MANE Select); coding-DNA position 404, G replaced by A.
Protein change: p.Arg135Gln; replaces arginine 135 with glutamine.
Molecular consequence: missense variant.
Genome position (GRCh38, 1-based): chr17:18,305,207, C>T on the plus strand (G>A on the coding strand, the complement: TOP3A is on the minus strand). VCF-style: chr17-18305207-C-T. GRCh37 (hg19) VCF-style: chr17-18208521-C-T.
Other names: c.119G>A, p.Arg40Gln (NM_001320759.2); short protein forms R135Q, R40Q.
Identifiers: ClinVar variation 2184831 (VCV002184831.3), dbSNP rs117400470, ClinGen allele CA8430229.